The following is an entry in ClinVar:

ClinVar aggregate classification (germline): Uncertain significance. Review status: criteria provided, multiple submitters, no conflicts (2 of 4 stars). 2 submissions from 2 submitters: Uncertain significance (2). Last evaluated 2025-11-17.

Conditions:
FBXL20-related disorder.

Submissions (2):

3billion
Classification: Uncertain significance for FBXL20-related disorder. Last evaluated: 2025-11-17. Review status: criteria provided, single submitter. Criteria: ACMG Guidelines, 2015. Collection method: clinical testing. Allele origin: germline. Affected: yes.
Comment: The variant is not observed in the gnomAD v4.1.0 dataset. Predicted Consequence/Location: Missense variant. Missense changes are a common disease-causing mechanism. The variant has been reported as of uncertain significance (ClinVar ID: VCV003513832). Therefore, this variant is classified as VUS according to the recommendation of ACMG/AMP guideline.

Ambry Genetics
Classification: Uncertain significance. Last evaluated: 2024-10-21. Review status: criteria provided, single submitter. Criteria: Ambry Variant Classification Scheme 2023. Collection method: clinical testing. Allele origin: germline.

NM_032875.3(FBXL20):c.949T>A (p.Leu317Ile)

Gene: FBXL20 (F-box and leucine rich repeat protein 20; minus strand). Cytogenetic location: 17q12.
Variant type: single nucleotide variant.
Coding change: c.949T>A on transcript NM_032875.3 (MANE Select); coding-DNA position 949, T replaced by A.
Protein change: p.Leu317Ile; replaces leucine 317 with isoleucine.
Molecular consequence: missense variant.
Genome position (GRCh38, 1-based): chr17:39,265,438, A>T on the plus strand (T>A on the coding strand, the complement: FBXL20 is on the minus strand). VCF-style: chr17-39265438-A-T. GRCh37 (hg19) VCF-style: chr17-37421691-A-T.
Other names: c.853T>A, p.Leu285Ile (NM_001184906.2); c.955T>A, p.Leu319Ile (NM_001370208.3); c.859T>A, p.Leu287Ile (NM_001370209.3); short protein forms L317I, L319I, L285I, L287I.
Identifiers: ClinVar variation 3513832 (VCV003513832.2).
Genomic context (GRCh38, chr17:39,265,438, plus strand): 5'-TTTTCAAAGTTAAACTCACCAATACTTGAAGTCGAGGACAGTGTATAGAAAGTTGGATTA[A>T]TGTGCTATCTGTTATCTGAAAGAAATAACGTATGTTGATTTTAGGTATAATCCAAATAAA-3'
Protein context (NP_116264.2, residues 307-327): EECVQITDST[Leu317Ile]IQLSIHCPRL